The following is an entry in ClinVar:

ClinVar aggregate classification (germline): Benign (1 of 4 stars; one submission).

Allele frequency attached by ClinVar (database versions not stated): TOPMed 0.75017; 1000 Genomes Project 30x 0.75375; gnomAD 0.75660 and 0.76814; 1000 Genomes Project 0.76757.
gnomAD v4.1: 117,024 of 152,020 alleles (77%); highest among the groups gnomAD compares: East Asian, 98%; 48,956 homozygotes.

Submission:

GeneDx
Classification: Benign. Last evaluated: 2018-06-19. Review status: criteria provided, single submitter. Criteria: GeneDx Variant Classification (06012015). Collection method: clinical testing. Allele origin: germline. Affected: yes.
Comment: This variant is considered likely benign or benign based on one or more of the following criteria: it is a conservative change, it occurs at a poorly conserved position in the protein, it is predicted to be benign by multiple in silico algorithms, and/or has population frequency not consistent with disease.

NM_018136.5(ASPM):c.4065+250G>A

Gene: ASPM (assembly factor for spindle microtubules; minus strand). Cytogenetic location: 1q31.3.
Variant type: single nucleotide variant.
Coding change: c.4065+250G>A on transcript NM_018136.5 (MANE Select); 250 bases into the intron after coding-DNA position 4065, G replaced by A.
Molecular consequence: intron variant.
Genome position (GRCh38, 1-based): chr1:197,117,539, C>T on the plus strand (G>A on the coding strand, the complement: ASPM is on the minus strand). VCF-style: chr1-197117539-C-T. GRCh37 (hg19) VCF-style: chr1-197086669-C-T.
Other names: c.4065+250G>A (NM_001206846.2).
Identifiers: ClinVar variation 673911 (VCV000673911.1), dbSNP rs10754215, ClinGen allele CA10944181.